The following is an entry in ClinVar:

NM_000719.7(CACNA1C):c.4908G>A (p.Glu1636=)

Genes: CACNA1C (calcium voltage-gated channel subunit alpha1 C; plus strand), CACNA1C-AS1 (CACNA1C antisense RNA 1; minus strand). Cytogenetic location: 12p13.33.
Variant type: single nucleotide variant.
Coding change: c.4908G>A on transcript NM_000719.7 (MANE Select); coding-DNA position 4908, G replaced by A.
Protein change: p.Glu1636=; no amino-acid change (glutamic acid 1636 retained).
Molecular consequence: synonymous variant. On other transcripts: non-coding transcript variant (1).
Genome position (GRCh38, 1-based): chr12:2,677,173, G>A. VCF-style: chr12-2677173-G-A. GRCh37 (hg19) VCF-style: chr12-2786339-G-A.
Other names: c.5052G>A, p.Glu1684= (NM_001129827.2, NM_199460.4); c.5031G>A, p.Glu1677= (NM_001129829.2); c.4908G>A, p.Glu1636= (NM_001129830.3, NM_001129840.2, NM_001129841.2 and 4 more transcripts); c.4992G>A, p.Glu1664= (NM_001129831.2); c.4968G>A, p.Glu1656= (NM_001129832.2); c.4965G>A, p.Glu1655= (NM_001129833.2, NM_001129834.2, NM_001129835.2); c.4959G>A, p.Glu1653= (NM_001129836.2); c.4932G>A, p.Glu1644= (NM_001129837.2, NM_001129838.2); and 3 more.
Identifiers: ClinVar variation 2855606 (VCV002855606.5), dbSNP rs1226585413, ClinGen allele CA477893202.

ClinVar aggregate classification (germline): Likely benign. Review status: criteria provided, multiple submitters, no conflicts (2 of 4 stars). 2 submissions from 2 submitters: Likely benign (2). Last evaluated 2026-07-01.

Conditions:
Long QT syndrome (LQTS). Identifiers: MedGen C0023976, MeSH D008133, MONDO:0002442. Disease mechanism: loss of function. Inheritance: Various modes of inheritance.

Allele frequency attached by ClinVar (database versions not stated): gnomAD exomes below 0.00001.
gnomAD v4.1: 1 of 1,613,864 alleles (0.000062%); highest among the groups gnomAD compares: South Asian, 0.0011%; no homozygotes.

Submissions (2):

CeGaT Center for Human Genetics Tuebingen
Classification: Likely benign. Last evaluated: 2026-07-01. Review status: criteria provided, single submitter. Criteria: CeGaT Center For Human Genetics Tuebingen Variant Classification Criteria Version 2. Collection method: clinical testing. Allele origin: germline. Affected: yes. Observed: 2 variant alleles.
Comment: CACNA1C: BP4, BP7

Labcorp Genetics (formerly Invitae), Labcorp
Classification: Likely benign for Long QT syndrome. Last evaluated: 2023-10-26. Review status: criteria provided, single submitter. Criteria: Invitae Variant Classification Sherloc (09022015). Collection method: clinical testing. Allele origin: germline.